The following is an entry in ClinVar:

ClinVar aggregate classification (germline): Pathogenic (1 of 4 stars; one submission).

Conditions:
Duchenne muscular dystrophy (DMD). Also called: MUSCULAR DYSTROPHY, PSEUDOHYPERTROPHIC PROGRESSIVE, DUCHENNE TYPE; Duchenne Muscular Dystrophy (DMD). Identifiers: Orphanet 98896, MedGen C0013264, MONDO:0010679, OMIM 310200.

Allele frequency attached by ClinVar (database versions not stated): TOPMed below 0.00001; gnomAD 0.00001.

Submission:

Labcorp Genetics (formerly Invitae), Labcorp
Classification: Pathogenic for Duchenne muscular dystrophy. Last evaluated: 2024-11-23. Review status: criteria provided, single submitter. Criteria: Invitae Variant Classification Sherloc (09022015). Collection method: clinical testing. Allele origin: germline.
Comment: This sequence change creates a premature translational stop signal (p.Arg2202Glufs*5) in the DMD gene. It is expected to result in an absent or disrupted protein product. Loss-of-function variants in DMD are known to be pathogenic (PMID: 16770791, 25007885). This variant is not present in population databases (gnomAD no frequency). This variant has not been reported in the literature in individuals affected with DMD-related conditions. ClinVar contains an entry for this variant (Variation ID: 1073735). For these reasons, this variant has been classified as Pathogenic.

Literature cited by the submitters: PubMed 16770791; PubMed 25007885.

NM_004006.3(DMD):c.6604del (p.Arg2202fs)

Gene: DMD (dystrophin; minus strand). Cytogenetic location: Xp21.1.
Variant type: Deletion.
Coding change: c.6604del on transcript NM_004006.3 (MANE Select); coding-DNA position 6604, one base deleted (A; older notation c.6604delA).
Protein change: p.Arg2202fs; shifts the reading frame from arginine 2202.
Molecular consequence: frameshift variant. On other transcripts: 5 prime UTR variant (5).
Genome position (GRCh38, 1-based): chrX:31,968,349, T deleted on the plus strand (A on the coding strand, the reverse complement: DMD is on the minus strand). VCF-style (leftmost placement, unchanged base first): chrX-31968348-CT-C. GRCh37 (hg19) VCF-style: chrX-31986465-CT-C.
Other names: c.6580del, p.Arg2194fs (NM_000109.4); c.6592del, p.Arg2198fs (NM_004009.3); c.6235del, p.Arg2079fs (NM_004010.3); c.2581del, p.Arg861fs (NM_004011.4); c.2572del, p.Arg858fs (NM_004012.4); c.-777del (NM_004013.3, NM_004020.4, NM_004021.3 and 2 more transcripts); short protein forms R2079fs, R2194fs, R2198fs, R2202fs, R858fs, R861fs.
Identifiers: ClinVar variation 1073735 (VCV001073735.7), dbSNP rs2095369359, ClinGen allele CA1132128490.